The following is an entry in ClinVar:

ClinVar aggregate classification (germline): Conflicting classifications of pathogenicity. Review status: criteria provided, conflicting classifications (1 of 4 stars). 3 submissions from 3 submitters: Uncertain significance (2); Likely benign (1). Last evaluated 2025-12-06.

Conditions:
Mitochondrial complex I deficiency, nuclear type 1. Also called: NADH-COENZYME Q REDUCTASE DEFICIENCY; MITOCHONDRIAL NADH DEHYDROGENASE COMPONENT OF COMPLEX I, DEFICIENCY OF. Identifiers: MedGen C6022305, MONDO:0100224, OMIM 252010.

Allele frequency attached by ClinVar (database versions not stated): gnomAD exomes 0.00013 and 0.00027; gnomAD 0.00017 and 0.00020; TOPMed 0.00019; ExAC 0.00027; ESP Exome Variant Server 0.00031.
gnomAD v4.1: 237 of 1,612,920 alleles (0.015%); highest among the groups gnomAD compares: Middle Eastern, 0.016%; 2 homozygotes.

Submissions (3):

Labcorp Genetics (formerly Invitae), Labcorp
Classification: Likely benign. Last evaluated: 2025-12-06. Review status: criteria provided, single submitter. Criteria: Invitae Variant Classification Sherloc (09022015). Collection method: clinical testing. Allele origin: germline.

GeneDx
Classification: Uncertain significance. Last evaluated: 2024-10-07. Review status: criteria provided, single submitter. Criteria: GeneDx Variant Classification Process June 2021. Collection method: clinical testing. Allele origin: germline. Affected: yes.
Comment: In silico analysis indicates that this missense variant does not alter protein structure/function; Has not been previously published as pathogenic or benign to our knowledge

Illumina Laboratory Services, Illumina
Classification: Uncertain significance for Mitochondrial complex I deficiency, nuclear type 1. Last evaluated: 2018-01-13. Review status: criteria provided, single submitter. Criteria: ICSL Variant Classification Criteria 13 December 2019. Collection method: clinical testing. Allele origin: germline.

NM_199069.2(NDUFAF3):c.193A>T (p.Ser65Cys)

Gene: NDUFAF3 (NADH:ubiquinone oxidoreductase complex assembly factor 3; plus strand). Cytogenetic location: 3p21.31.
Variant type: single nucleotide variant.
Coding change: c.193A>T on transcript NM_199069.2 (MANE Select); coding-DNA position 193, A replaced by T.
Protein change: p.Ser65Cys; replaces serine 65 with cysteine.
Molecular consequence: missense variant.
Genome position (GRCh38, 1-based): chr3:49,022,461, A>T. VCF-style: chr3-49022461-A-T. GRCh37 (hg19) VCF-style: chr3-49059894-A-T.
Other names: p.S65C:AGC>TGC; c.22A>T, p.Ser8Cys (NM_199070.2, NM_199073.2, NM_199074.2); short protein forms S65C, S8C.
Identifiers: ClinVar variation 214747 (VCV000214747.10), dbSNP rs200576852, ClinGen allele CA325295.